The following is an entry in ClinVar:

ClinVar aggregate classification (germline): Pathogenic (1 of 4 stars; one submission).

Conditions:
Ehlers-Danlos syndrome, classic type, 1 (EDSCL1). Also called: EHLERS-DANLOS SYNDROME, GRAVIS TYPE; EHLERS-DANLOS SYNDROME, SEVERE CLASSIC TYPE; Ehlers-Danlos syndrome, type 1; Ehlers-Danlos Syndrome, Classic Type, COL5A1-Related; EDS I. Identifiers: MedGen C0268335, MONDO:0019567, OMIM 130000.

Submission:

Labcorp Genetics (formerly Invitae), Labcorp
Classification: Pathogenic for Ehlers-Danlos syndrome, classic type, 1. Last evaluated: 2024-09-04. Review status: criteria provided, single submitter. Criteria: Invitae Variant Classification Sherloc (09022015). Collection method: clinical testing. Allele origin: germline.
Comment: This sequence change creates a premature translational stop signal (p.Glu308Argfs*3) in the COL5A1 gene. It is expected to result in an absent or disrupted protein product. Loss-of-function variants in COL5A1 are known to be pathogenic (PMID: 23587214). This variant is not present in population databases (gnomAD no frequency). This variant has not been reported in the literature in individuals affected with COL5A1-related conditions. For these reasons, this variant has been classified as Pathogenic.

Literature cited by the submitters: PubMed 23587214.

NM_000093.5(COL5A1):c.921del (p.Glu308fs)

Gene: COL5A1 (collagen type V alpha 1 chain; plus strand). Cytogenetic location: 9q34.3.
Variant type: Deletion.
Coding change: c.921del on transcript NM_000093.5 (MANE Select); coding-DNA position 921, one base deleted (C; older notation c.921delC).
Protein change: p.Glu308fs; shifts the reading frame from glutamic acid 308.
Molecular consequence: frameshift variant.
Genome position (GRCh38, 1-based): chr9:134,728,804, C deleted; the last of 4 consecutive C bases (chr9:134,728,801-134,728,804); deleting any one gives the same sequence. VCF-style (leftmost placement, unchanged base first): chr9-134728800-TC-T. GRCh37 (hg19) VCF-style: chr9-137620646-TC-T.
Other names: c.921del, p.Glu308fs (NM_001278074.1); short protein forms E308fs.
Identifiers: ClinVar variation 3664528 (VCV003664528.2).